The following is an entry in ClinVar:

NM_130384.3(ATRIP):c.1856T>C (p.Leu619Pro)

Genes: ATRIP (ATR interacting protein; plus strand), ATRIP-TREX1 (ATRIP-TREX1 readthrough; plus strand). Cytogenetic location: 3p21.31.
Variant type: single nucleotide variant.
Coding change: c.1856T>C on transcript NM_130384.3 (MANE Select); coding-DNA position 1856, T replaced by C.
Protein change: p.Leu619Pro; replaces leucine 619 with proline.
Molecular consequence: missense variant. On other transcripts: non-coding transcript variant (1).
Genome position (GRCh38, 1-based): chr3:48,463,855, T>C. VCF-style: chr3-48463855-T-C. GRCh37 (hg19) VCF-style: chr3-48505254-T-C.
Other names: c.1475T>C, p.Leu492Pro (NM_001271022.2); c.1577T>C, p.Leu526Pro (NM_001271023.2); c.1856T>C, p.Leu619Pro (NM_032166.4); short protein forms L619P, L492P, L526P.
Identifiers: ClinVar variation 3810433 (VCV003810433.1).

ClinVar aggregate classification (germline): Uncertain significance (1 of 4 stars; one submission).

Submission:

Ambry Genetics
Classification: Uncertain significance. Last evaluated: 2025-02-03. Review status: criteria provided, single submitter. Criteria: Ambry Variant Classification Scheme 2023. Collection method: clinical testing. Allele origin: germline.
Comment: The p.L619P variant (also known as c.1856T>C), located in coding exon 9 of the ATRIP gene, results from a T to C substitution at nucleotide position 1856. The leucine at codon 619 is replaced by proline, an amino acid with similar properties. This amino acid position is conserved. In addition, this alteration is predicted to be deleterious by in silico analysis. Based on the available evidence, the clinical significance of this variant remains unclear.